The following is an entry in ClinVar:

ClinVar aggregate classification (germline): Likely pathogenic (1 of 4 stars; one submission).

Conditions:
PI4KA-related disorder. Also called: PI4KA-related disorders; PI4KA-related condition. Identifiers: MedGen CN378147, MONDO:1040012.

Allele frequency attached by ClinVar (database versions not stated): gnomAD exomes 0.00001.
gnomAD v4.1: 7 of 1,613,852 alleles (0.00043%); highest among the groups gnomAD compares: East Asian, 0.0045%; no homozygotes.

Submission:

PreventionGenetics, part of Exact Sciences
Classification: Likely pathogenic for PI4KA-related condition. Last evaluated: 2022-08-30. Review status: criteria provided, single submitter. Criteria: ACMG Guidelines, 2015. Collection method: clinical testing. Allele origin: germline.
Comment: The PI4KA c.2236C>T variant is predicted to result in premature protein termination (p.Arg746*). To our knowledge, this variant has not been reported in the literature. This variant is reported in 0.00089% of alleles in individuals of European (Non-Finnish) descent in gnomAD. Nonsense variants in PI4KA are expected to be pathogenic. This variant is interpreted as likely pathogenic.

NM_058004.4(PI4KA):c.2236C>T (p.Arg746Ter)

Gene: PI4KA (phosphatidylinositol 4-kinase alpha; minus strand). Cytogenetic location: 22q11.21.
Variant type: single nucleotide variant.
Coding change: c.2236C>T on transcript NM_058004.4 (MANE Select); coding-DNA position 2236, C replaced by T.
Protein change: p.Arg746Ter; replaces arginine 746 with a stop codon.
Molecular consequence: nonsense.
Genome position (GRCh38, 1-based): chr22:20,796,187, G>A on the plus strand (C>T on the coding strand, the complement: PI4KA is on the minus strand). VCF-style: chr22-20796187-G-A. GRCh37 (hg19) VCF-style: chr22-21150475-G-A.
Other names: c.2236C>T, p.Arg746Ter (NM_001362862.2); c.2170C>T, p.Arg724Ter (NM_001362863.2); short protein forms R724*, R746*.
Identifiers: ClinVar variation 2636205 (VCV002636205.1), dbSNP rs1202099178, ClinGen allele CA410753620.
Genomic context (GRCh38, chr22:20,796,187, plus strand): 5'-TAGCCATCCTCCTTCCTACCTTTAGGGCAGGGCCCTTCTCGCTTGCCCTCTCGCTGGCTC[G>A]CTTCCCCTCCAGCCCCAGCTGCACAAACAACTCCAACAGGTTCATGAGCAGCTCATCCAC-3'